The following is an entry in ClinVar:

ClinVar aggregate classification (germline): Pathogenic (1 of 4 stars; one submission).

Submission:

GeneDx
Classification: Pathogenic. Last evaluated: 2021-01-06. Review status: criteria provided, single submitter. Criteria: GeneDx Variant Classification (06012015). Collection method: clinical testing. Allele origin: germline. Affected: yes.
Comment: Not observed in large population cohorts (Lek et al., 2016). Frameshift variant predicted to result in protein truncation or nonsense mediated decay in a gene for which loss-of-function is a known mechanism of disease. We interpret c.334dupC as a pathogenic variant.

NM_020719.3(PRR12):c.334dup (p.Gln112fs)

Gene: PRR12 (proline rich 12; plus strand). Cytogenetic location: 19q13.33.
Variant type: Duplication.
Coding change: c.334dup on transcript NM_020719.3 (MANE Select); coding-DNA position 334, one base duplicated (C; older notation c.334dupC).
Protein change: p.Gln112fs; shifts the reading frame from glutamine 112.
Molecular consequence: frameshift variant.
Genome position (GRCh38, 1-based): chr19:49,594,588, C duplicated; the last of 3 consecutive C bases (chr19:49,594,586-49,594,588); duplicating any one gives the same sequence. VCF-style (leftmost placement, unchanged base first): chr19-49594585-T-TC. GRCh37 (hg19) VCF-style: chr19-50097842-T-TC.
Other names: short protein forms Q112fs.
Identifiers: ClinVar variation 1013598 (VCV001013598.1), dbSNP rs2080751565, ClinGen allele CA2340485653.